The following is an entry in ClinVar:

ClinVar aggregate classification (germline): Pathogenic (3 of 4 stars; one submission).

Conditions:
Lynch syndrome. Identifiers: Orphanet 144, MedGen C4552100, MONDO:0005835. Disease mechanism: loss of function.

Submission:

International Society for Gastrointestinal Hereditary Tumours (InSiGHT)
Classification: Pathogenic for Lynch Syndrome. Last evaluated: 2013-09-05. Review status: reviewed by expert panel. Criteria: Guidelines v1.9. Collection method: research. Allele origin: germline.
Comment: Coding sequence variation resulting in a stop codon

Classified with v1.9 guidelines

NM_000179.3(MSH6):c.1632_1635del (p.Lys545fs)

Gene: MSH6 (mutS homolog 6; plus strand). Cytogenetic location: 2p16.3.
Variant type: Deletion.
Coding change: c.1632_1635del on transcript NM_000179.3 (MANE Select); coding-DNA positions 1632 to 1635, 4 bases deleted (AAAA; older notation c.1632_1635delAAAA).
Protein change: p.Lys545fs; shifts the reading frame from lysine 545.
Molecular consequence: frameshift variant.
Genome position (GRCh38, 1-based): chr2:47,799,615-47,799,618, AAAA deleted; deleting any 4 consecutive bases within chr2:47,799,614-47,799,618 gives the same sequence; the c. name uses the placement nearest the transcript's 3' end. VCF-style (leftmost placement, unchanged base first): chr2-47799613-GAAAA-G. GRCh37 (hg19) VCF-style: chr2-48026752-GAAAA-G.
Other names: c.1242_1245del, p.Lys415fs (NM_001281492.2); c.726_729del, p.Lys243fs (NM_001281493.2, NM_001281494.2); short protein forms K243fs, K415fs.
Identifiers: ClinVar variation 89210 (VCV000089210.2), dbSNP rs267608064, ClinGen allele CA008947.